The following is an entry in ClinVar:

ClinVar aggregate classification (germline): Pathogenic. Review status: criteria provided, multiple submitters, no conflicts (2 of 4 stars). 2 submissions from 2 submitters: Pathogenic (2). Last evaluated 2024-07-12.

Conditions:
USH1C-related disorder. Also called: USH1C-related condition.

Submissions (2):

Labcorp Genetics (formerly Invitae), Labcorp
Classification: Pathogenic. Last evaluated: 2024-07-12. Review status: criteria provided, single submitter. Criteria: Invitae Variant Classification Sherloc (09022015). Collection method: clinical testing. Allele origin: germline.
Comment: This sequence change creates a premature translational stop signal (p.Gln122*) in the USH1C gene. It is expected to result in an absent or disrupted protein product. Loss-of-function variants in USH1C are known to be pathogenic (PMID: 10973247, 17407589, 20301442, 21203349). This variant is not present in population databases (gnomAD no frequency). This variant has not been reported in the literature in individuals affected with USH1C-related conditions. ClinVar contains an entry for this variant (Variation ID: 1350655). For these reasons, this variant has been classified as Pathogenic.

Blueprint Genetics
Classification: Pathogenic for USH1C-related disorders. Last evaluated: 2022-11-18. Review status: criteria provided, single submitter. Criteria: ACMG Guidelines, 2015. Collection method: clinical testing. Allele origin: germline. Affected: yes. Observed: 3 variant alleles.

Literature cited by the submitters: PubMed 10973247 (cited by Labcorp Genetics (formerly Invitae), Labcorp); PubMed 17407589 (cited by Labcorp Genetics (formerly Invitae), Labcorp); PubMed 20301442 (cited by Labcorp Genetics (formerly Invitae), Labcorp); PubMed 21203349 (cited by Labcorp Genetics (formerly Invitae), Labcorp).

NM_153676.4(USH1C):c.364C>T (p.Gln122Ter)

Gene: USH1C (USH1 protein network component harmonin; minus strand). Cytogenetic location: 11p15.1.
Variant type: single nucleotide variant.
Coding change: c.364C>T on transcript NM_153676.4 (MANE Select); coding-DNA position 364, C replaced by T.
Protein change: p.Gln122Ter; replaces glutamine 122 with a stop codon.
Molecular consequence: nonsense. On other transcripts: non-coding transcript variant (1).
Genome position (GRCh38, 1-based): chr11:17,531,177, G>A on the plus strand (C>T on the coding strand, the complement: USH1C is on the minus strand). VCF-style: chr11-17531177-G-A. GRCh37 (hg19) VCF-style: chr11-17552724-G-A.
Other names: c.364C>T, p.Gln122Ter (NM_001297764.2, NM_005709.4); short protein forms Q122*.
Identifiers: ClinVar variation 1350655 (VCV001350655.7), dbSNP rs1850953103, ClinGen allele CA379796774.
Genomic context (GRCh38, chr11:17,531,177, plus strand): 5'-GCCCTCGCTCCCCCTCCCCCGGACTCTGTTTGCTCACCTGGAGCCCGACGCTGTCTGCCT[G>A]ACCGCCTTTGATGAGGTGGGAGATGAAGAGCCCACAGCCAAACTCCAGGCCACCACGCAC-3'